The following is an entry in ClinVar:

ClinVar aggregate classification (germline): Benign (1 of 4 stars; one submission).

Conditions:
Fanconi-Bickel syndrome (FBS). Also called: Glycogen storage disease due to GLUT2 deficiency; FANCONI SYNDROME WITH INTESTINAL MALABSORPTION AND GALACTOSE INTOLERANCE; HEPATIC GLYCOGENOSIS WITH AMINO ACIDURIA AND GLUCOSURIA; HEPATIC GLYCOGENOSIS WITH FANCONI NEPHROPATHY; HEPATORENAL GLYCOGENOSIS WITH RENAL FANCONI SYNDROME; PSEUDO-PHLORIZIN DIABETES. Identifiers: Orphanet 2088, MedGen C3495427, MONDO:0009216, OMIM 227810.

Allele frequency attached by ClinVar (database versions not stated): gnomAD exomes 0.00089; 1000 Genomes Project 0.00699; gnomAD 0.00721 and 0.00770; 1000 Genomes Project 30x 0.00750; TOPMed 0.00781.
gnomAD v4.1: 1,329 of 397,682 alleles (0.33%); highest among the groups gnomAD compares: African/African-American, 2.4%; 11 homozygotes.

Submission:

Illumina Laboratory Services, Illumina
Classification: Benign for Fanconi-Bickel syndrome. Last evaluated: 2018-01-13. Review status: criteria provided, single submitter. Criteria: ICSL Variant Classification Criteria 13 December 2019. Collection method: clinical testing. Allele origin: germline.
Comment: This variant was observed in the ICSL laboratory as part of a predisposition screen in an ostensibly healthy population. It had not been previously curated by ICSL or reported in the Human Gene Mutation Database (HGMD: prior to June 1st, 2018), and was therefore a candidate for classification through an automated scoring system. Utilizing variant allele frequency, disease prevalence and penetrance estimates, and inheritance mode, an automated score was calculated to assess if this variant is too frequent to cause the disease. Based on the score and internal cut-off values, a variant classified as benign is not then subjected to further curation. The score for this variant resulted in a classification of benign for this disease.

NM_000340.2(SLC2A2):c.*1349C>T

Gene: SLC2A2 (solute carrier family 2 member 2; minus strand). Cytogenetic location: 3q26.2.
Variant type: single nucleotide variant.
Coding change: c.*1349C>T on transcript NM_000340.2 (MANE Select); 1349 bases downstream of the stop codon, C replaced by T.
Molecular consequence: 3 prime UTR variant.
Genome position (GRCh38, 1-based): chr3:170,996,554, G>A on the plus strand (C>T on the coding strand, the complement: SLC2A2 is on the minus strand). VCF-style: chr3-170996554-G-A. GRCh37 (hg19) VCF-style: chr3-170714343-G-A.
Other names: c.*1349C>T (NM_001278658.2, NM_001278659.2).
Identifiers: ClinVar variation 901129 (VCV000901129.4), dbSNP rs112957674, ClinGen allele CA87703597.